The following is an entry in ClinVar:

NM_006031.6(PCNT):c.6754A>G (p.Ser2252Gly)

Gene: PCNT (pericentrin; plus strand). Cytogenetic location: 21q22.3.
Variant type: single nucleotide variant.
Coding change: c.6754A>G on transcript NM_006031.6 (MANE Select); coding-DNA position 6754, A replaced by G.
Protein change: p.Ser2252Gly; replaces serine 2252 with glycine.
Molecular consequence: missense variant.
Genome position (GRCh38, 1-based): chr21:46,416,672, A>G. VCF-style: chr21-46416672-A-G. GRCh37 (hg19) VCF-style: chr21-47836586-A-G.
Other names: c.6400A>G, p.Ser2134Gly (NM_001315529.2); short protein forms S2252G, S2134G.
Identifiers: ClinVar variation 340521 (VCV000340521.6), dbSNP rs886057190, ClinGen allele CA10653117.

ClinVar aggregate classification (germline): Uncertain significance. Review status: criteria provided, single submitter (1 of 4 stars). 2 submissions from 2 submitters: Uncertain significance (1). 1 of the submissions does not count toward it. Last evaluated 2018-01-12.

Conditions:
PCNT-related disorder. Also called: PCNT-related condition.
Microcephalic osteodysplastic primordial dwarfism type II (MOPD2). Also called: Microcephalic osteodysplastic primordial dwarfism with tooth abnormalities; MOPD II; OSTEODYSPLASTIC PRIMORDIAL DWARFISM, TYPE II. Identifiers: Orphanet 2637, MedGen C0432246, MONDO:0008872, OMIM 210720.

Allele frequency attached by ClinVar (database versions not stated): gnomAD exomes below 0.00001; TOPMed below 0.00001; gnomAD 0.00001.
gnomAD v4.1: 3 of 1,564,350 alleles (0.00019%); highest among the groups gnomAD compares: Non-Finnish European, 0.00026%; no homozygotes.

Submissions (2):

Illumina Laboratory Services, Illumina
Classification: Uncertain significance for Microcephalic osteodysplastic primordial dwarfism type II. Last evaluated: 2018-01-12. Review status: criteria provided, single submitter. Criteria: ICSL Variant Classification Criteria 13 December 2019. Collection method: clinical testing. Allele origin: germline.

PreventionGenetics, part of Exact Sciences
Classification: Uncertain significance for PCNT-related condition. Last evaluated: 2024-05-06. Review status: no assertion criteria provided. Collection method: clinical testing. Allele origin: germline. Not counted in ClinVar's aggregate classification.
Comment: The PCNT c.6754A>G variant is predicted to result in the amino acid substitution p.Ser2252Gly. To our knowledge, this variant has not been reported in the literature or in a large population database, indicating this variant is rare. At this time, the clinical significance of this variant is uncertain due to the absence of conclusive functional and genetic evidence.